The following is an entry in ClinVar:

ClinVar aggregate classification (germline): Uncertain significance. Review status: criteria provided, multiple submitters, no conflicts (2 of 4 stars). 3 submissions from 3 submitters: Uncertain significance (2). 1 of the submissions does not count toward it. Last evaluated 2026-01-29.

Conditions:
Hypertrophic cardiomyopathy 13. Also called: TNNC1-Related Familial Hypertrophic Cardiomyopathy. Identifiers: MedGen C2750472, MONDO:0013195, OMIM 613243.
Dilated cardiomyopathy 1Z (CMD1Z). Identifiers: Orphanet 154, MedGen C2678475, MONDO:0012745, OMIM 611879.
Hypertrophic cardiomyopathy. Also called: HYPERTROPHIC MYOCARDIOPATHY. Identifiers: Orphanet 217569, MedGen C0007194, MeSH D002312, MONDO:0005045, HP:0001639.

Submissions (3):

3billion
Classification: Uncertain significance for Hypertrophic cardiomyopathy 13. Last evaluated: 2026-01-29. Review status: criteria provided, single submitter. Criteria: ACMG Guidelines, 2015. Collection method: clinical testing. Allele origin: germline. Affected: yes.
Comment: The variant is not observed in the gnomAD v4.1.0 dataset. Predicted Consequence/Location: Missense variant. Missense changes are a common disease-causing mechanism. In silico tool predictions suggest damaging effect of the variant on gene or gene product [REVEL: 0.67 (>=0.6, sensitivity 0.68 and specificity 0.92)]. The same nucleotide change resulting in the same amino acid change has been previously reported to be associated with TNNC1-related disorder (ClinVar ID: VCV001027652). However, the evidence of pathogenicity is insufficient at this time. Therefore, this variant is classified as VUS according to the recommendation of ACMG/AMP guideline.

Labcorp Genetics (formerly Invitae), Labcorp
Classification: Uncertain significance for Hypertrophic cardiomyopathy 13; Dilated cardiomyopathy 1Z. Last evaluated: 2024-07-30. Review status: criteria provided, single submitter. Criteria: Invitae Variant Classification Sherloc (09022015). Collection method: clinical testing. Allele origin: germline.
Comment: This sequence change replaces valine, which is neutral and non-polar, with methionine, which is neutral and non-polar, at codon 44 of the TNNC1 protein (p.Val44Met). This variant is not present in population databases (gnomAD no frequency). This missense change has been observed in individual(s) with dilated cardiomyopathy (PMID: 37904158). ClinVar contains an entry for this variant (Variation ID: 1027652). An algorithm developed to predict the effect of missense changes on protein structure and function (PolyPhen-2) suggests that this variant is likely to be disruptive. In summary, the available evidence is currently insufficient to determine the role of this variant in disease. Therefore, it has been classified as a Variant of Uncertain Significance.

Institute of Human Genetics, University of Wuerzburg
Classification: Likely pathogenic for Hypertrophic cardiomyopathy. Review status: no assertion criteria provided. Collection method: clinical testing. Allele origin: unknown. Not counted in ClinVar's aggregate classification.

Literature cited by the submitters: PubMed 37904158 (cited by Labcorp Genetics (formerly Invitae), Labcorp).

NM_003280.3(TNNC1):c.130G>A (p.Val44Met)

Gene: TNNC1 (troponin C1, slow skeletal and cardiac type; minus strand). Cytogenetic location: 3p21.1.
Variant type: single nucleotide variant.
Coding change: c.130G>A on transcript NM_003280.3 (MANE Select); coding-DNA position 130, G replaced by A.
Protein change: p.Val44Met; replaces valine 44 with methionine.
Molecular consequence: missense variant.
Genome position (GRCh38, 1-based): chr3:52,452,178, C>T on the plus strand (G>A on the coding strand, the complement: TNNC1 is on the minus strand). VCF-style: chr3-52452178-C-T. GRCh37 (hg19) VCF-style: chr3-52486194-C-T.
Other names: short protein forms V44M.
Identifiers: ClinVar variation 1027652 (VCV001027652.6), dbSNP rs1706339531, ClinGen allele CA353168840.